The following is an entry in ClinVar:

ClinVar aggregate classification (germline): Uncertain significance (1 of 4 stars; one submission).

Conditions:
Neuropathy, hereditary sensory and autonomic, type 2A (HSAN2A). Also called: MORVAN DISEASE; NEUROPATHY, CONGENITAL SENSORY; NEUROPATHY, HEREDITARY SENSORY RADICULAR, AUTOSOMAL RECESSIVE; NEUROPATHY, HEREDITARY SENSORY, TYPE IIA; NEUROPATHY, PROGRESSIVE SENSORY, OF CHILDREN; ACROOSTEOLYSIS, GIACCAI TYPE. Identifiers: Orphanet 970, MedGen C2752089, MONDO:0024309, OMIM 201300.
Generalized epilepsy with febrile seizures plus, type 7 (GEFSP7). Also called: GEFS+, TYPE 7. Identifiers: Orphanet 36387, MedGen C2751778, MONDO:0013470, OMIM 613863.

gnomAD v4.1: 1 of 1,613,686 alleles (0.000062%); highest among the groups gnomAD compares: Non-Finnish European, 0.000085%; no homozygotes.

Submission:

Labcorp Genetics (formerly Invitae), Labcorp
Classification: Uncertain significance for Neuropathy, hereditary sensory and autonomic, type 2A; Generalized epilepsy with febrile seizures plus, type 7. Last evaluated: 2025-04-01. Review status: criteria provided, single submitter. Criteria: Invitae Variant Classification Sherloc (09022015). Collection method: clinical testing. Allele origin: germline.
Comment: This sequence change replaces threonine, which is neutral and polar, with asparagine, which is neutral and polar, at codon 252 of the SCN9A protein (p.Thr252Asn). This variant is not present in population databases (gnomAD no frequency). This variant has not been reported in the literature in individuals affected with SCN9A-related conditions. Invitae Evidence Modeling of protein sequence and biophysical properties (such as structural, functional, and spatial information, amino acid conservation, physicochemical variation, residue mobility, and thermodynamic stability) has been performed for this missense variant. However, the output from this modeling did not meet the statistical confidence thresholds required to predict the impact of this variant on SCN9A protein function. In summary, the available evidence is currently insufficient to determine the role of this variant in disease. Therefore, it has been classified as a Variant of Uncertain Significance.

NM_001365536.1(SCN9A):c.755C>A (p.Thr252Asn)

Gene: SCN9A (sodium voltage-gated channel alpha subunit 9; minus strand). Cytogenetic location: 2q24.3.
Variant type: single nucleotide variant.
Coding change: c.755C>A on transcript NM_001365536.1 (MANE Select); coding-DNA position 755, C replaced by A.
Protein change: p.Thr252Asn; replaces threonine 252 with asparagine.
Molecular consequence: missense variant.
Genome position (GRCh38, 1-based): chr2:166,303,236, G>T on the plus strand (C>A on the coding strand, the complement: SCN9A is on the minus strand). VCF-style: chr2-166303236-G-T. GRCh37 (hg19) VCF-style: chr2-167159746-G-T.
Other names: c.755C>A, p.Thr252Asn (NM_002977.4); short protein forms T252N.
Identifiers: ClinVar variation 3749911 (VCV003749911.2).
Genomic context (GRCh38, chr2:166,303,236, plus strand): 5'-TTCAGGTTTCCCATGAACAGCTGTAGTCCAATTAGTGCAAACACACTCAGACAGAACACA[G>T]TCAGGATCATGACATCAGAAAGCTTCTTCACTGACTGGATCAAAGCCCCTACAATTGTCT-3'
Protein context (NP_001352465.1, residues 242-262): VKKLSDVMIL[Thr252Asn]VFCLSVFALI